The following is an entry in ClinVar:

NM_000179.3(MSH6):c.4001+9C>G

Gene: MSH6 (mutS homolog 6; plus strand). Cytogenetic location: 2p16.3.
Variant type: single nucleotide variant.
Coding change: c.4001+9C>G on transcript NM_000179.3 (MANE Select); 9 bases into the intron after coding-DNA position 4001, C replaced by G.
Molecular consequence: intron variant.
Genome position (GRCh38, 1-based): chr2:47,806,660, C>G. VCF-style: chr2-47806660-C-G. GRCh37 (hg19) VCF-style: chr2-48033799-C-G.
Other names: c.3095+9C>G (NM_001281493.2, NM_001281494.2); c.3611+9C>G (NM_001281492.2).
Identifiers: ClinVar variation 648330 (VCV000648330.13), dbSNP rs1467103778, ClinGen allele CA769468134.

ClinVar aggregate classification (germline): Likely benign. Review status: criteria provided, multiple submitters, no conflicts (2 of 4 stars). 5 submissions from 5 submitters: Likely benign (5). Last evaluated 2025-12-29.

Conditions:
Hereditary cancer-predisposing syndrome. Also called: Neoplastic Syndromes, Hereditary; Tumor predisposition; Hereditary neoplastic syndrome; Hereditary Cancer Syndrome. Identifiers: Orphanet 140162, MedGen C0027672, MeSH D009386, MONDO:0015356.
Lynch syndrome 5 (LYNCH5). Also called: Hereditary non-polyposis colorectal cancer, type 5; Colorectal cancer, hereditary nonpolyposis, type 5. Identifiers: Orphanet 144, MedGen C1833477, MONDO:0013710, OMIM 614350. Disease mechanism: loss of function.
MSH6-related disorder. Also called: MSH6-related condition; MSH6-Related disorders.
Hereditary nonpolyposis colorectal neoplasms. Identifiers: MedGen C0009405, MeSH D003123.

Allele frequency attached by ClinVar (database versions not stated): TOPMed below 0.00001; gnomAD 0.00001.
gnomAD v4.1: 1 of 1,603,570 alleles (0.000062%); highest among the groups gnomAD compares: Non-Finnish European, 0.000085%; no homozygotes.

Submissions (6):

Center for Genomic Medicine, Rigshospitalet, Copenhagen University Hospital
Classification: Likely benign. Last evaluated: 2025-12-29. Review status: criteria provided, single submitter. Criteria: ACMG Guidelines, 2015. Collection method: clinical testing. Allele origin: germline.
Comment: Classification criteria: BP4, BP7

Labcorp Genetics (formerly Invitae), Labcorp
Classification: Likely benign for Hereditary nonpolyposis colorectal neoplasms. Last evaluated: 2025-11-13. Review status: criteria provided, single submitter. Criteria: Invitae Variant Classification Sherloc (09022015). Collection method: clinical testing. Allele origin: germline.

PreventionGenetics, part of Exact Sciences
Classification: Likely benign for MSH6-related condition. Last evaluated: 2025-09-24. Review status: criteria provided, single submitter. Criteria: ACMG Guidelines, 2015. Collection method: clinical testing. Allele origin: germline.
Comment: This variant is classified as likely benign based on ACMG/AMP sequence variant interpretation guidelines (Richards et al. 2015 PMID: 25741868, with internal and published modifications).

Myriad Genetics, Inc.
Classification: Likely benign for Lynch syndrome 5. Last evaluated: 2025-01-09. Review status: criteria provided, single submitter. Criteria: Myriad Autosomal Dominant, Autosomal Recessive and X-Linked Classification Criteria (2023). Collection method: clinical testing. Allele origin: unknown.
Comment: This variant is considered likely benign. This variant is intronic and is not expected to impact mRNA splicing.

Color Diagnostics, LLC DBA Color Health
Classification: Likely benign for Hereditary cancer-predisposing syndrome. Last evaluated: 2019-08-07. Review status: criteria provided, single submitter. Criteria: ACMG Guidelines, 2015. Collection method: clinical testing. Allele origin: germline.

Dr. Peter K. Rogan Lab, Western University
No classification provided (evidence only). Condition: Gastric cancer. Review status: no classification provided. Collection method: in vitro. Allele origin: not applicable. Functional consequence: retained intron. Not counted in ClinVar's aggregate classification.